The following is an entry in ClinVar:

ClinVar aggregate classification (germline): Uncertain significance (1 of 4 stars; one submission).

Submission:

Mayo Clinic Laboratories, Mayo Clinic
Classification: Uncertain significance. Last evaluated: 2025-06-17. Review status: criteria provided, single submitter. Criteria: ACMG Guidelines, 2015. Collection method: clinical testing. Allele origin: germline. Observed: 1 variant allele.
Comment: PP3, PM2_supporting

NM_000492.4(CFTR):c.2909-6T>G

Genes: CFTR (CF transmembrane conductance regulator; plus strand), CFTR-AS2 (CFTR antisense RNA 2; minus strand). Cytogenetic location: 7q31.2.
Variant type: single nucleotide variant.
Coding change: c.2909-6T>G on transcript NM_000492.4 (MANE Select); 6 bases into the intron before coding-DNA position 2909, T replaced by G.
Molecular consequence: intron variant.
Genome position (GRCh38, 1-based): chr7:117,606,668, T>G. VCF-style: chr7-117606668-T-G. GRCh37 (hg19) VCF-style: chr7-117246722-T-G.
Other names: p.?.
Identifiers: ClinVar variation 4541330 (VCV004541330.1).